The following is an entry in ClinVar:

NM_000382.3(ALDH3A2):c.798+1del

Gene: ALDH3A2 (aldehyde dehydrogenase 3 family member A2; plus strand). Cytogenetic location: 17p11.2.
Variant type: Deletion.
Coding change: c.798+1del on transcript NM_000382.3 (MANE Select); the canonical splice donor site of the intron after coding-DNA position 798, one base deleted (G; older notation c.798+1delG).
Molecular consequence: splice donor variant.
Genome position (GRCh38, 1-based): chr17:19,657,863, G deleted; the last of 2 consecutive G bases (chr17:19,657,862-19,657,863); deleting either gives the same sequence. VCF-style (leftmost placement, unchanged base first): chr17-19657861-AG-A. GRCh37 (hg19) VCF-style: chr17-19561174-AG-A.
Other names: c.219+1del (NM_001369148.2); c.798+1del (NM_001369137.2, NM_001369138.2, NM_001369146.2 and 3 more transcripts); c.798+1delG (NM_000382.3, NM_000382.2); c.798del (NM_000382.3).
Identifiers: ClinVar variation 371195 (VCV000371195.16), dbSNP rs757359379, ClinGen allele CA8442910.
Genomic context (GRCh38, chr17:19,657,861, plus strand): 5'-ATATTCTCTGTGAAGCATCCCTCCAAAATCAAATTGTATGGAAGATTAAGGAAACAGTGA[AG>A]GTTTGTATTAAAAACATCTGATTCCACTGATTTTAATAAGATAAGGAGTCAAATTAACTA-3'

ClinVar aggregate classification (germline): Pathogenic. Review status: criteria provided, multiple submitters, no conflicts (2 of 4 stars). 7 submissions from 7 submitters: Pathogenic (5). 2 of the submissions do not count toward it. Last evaluated 2024-07-11.

Conditions:
Sjögren-Larsson syndrome (SLS). Also called: FALDH DEFICIENCY; FATTY ALCOHOL:NAD+ OXIDOREDUCTASE DEFICIENCY; FATTY ALDEHYDE DEHYDROGENASE DEFICIENCY; ICHTHYOSIS, SPASTIC NEUROLOGIC DISORDER, AND OLIGOPHRENIA. Identifiers: Orphanet 816, MedGen C0037231, MONDO:0010031, OMIM 270200.

Submissions (7):

Revvity Omics, Revvity
Classification: Pathogenic for Sjögren-Larsson syndrome. Last evaluated: 2024-07-11. Review status: criteria provided, single submitter. Criteria: ACMG Guidelines, 2015. Collection method: clinical testing. Allele origin: germline.

Fulgent Genetics
Classification: Pathogenic for Sjögren-Larsson syndrome. Last evaluated: 2024-06-01. Review status: criteria provided, single submitter. Criteria: ACMG Guidelines, 2015. Collection method: clinical testing. Allele origin: germline.

Labcorp Genetics (formerly Invitae), Labcorp
Classification: Pathogenic. Last evaluated: 2023-09-20. Review status: criteria provided, single submitter. Criteria: Invitae Variant Classification Sherloc (09022015). Collection method: clinical testing. Allele origin: germline.
Comment: Disruption of this splice site has been observed in individuals with Sjögren-Larsson syndrome (PMID: 10577908, 30157790). ClinVar contains an entry for this variant (Variation ID: 371195). Studies have shown that disruption of this splice site is associated with altered splicing resulting in multiple RNA products (PMID: 10577908). This sequence change affects a splice site in intron 5 of the ALDH3A2 gene. It is expected to disrupt RNA splicing. Variants that disrupt the donor or acceptor splice site typically lead to a loss of protein function (PMID: 16199547), and loss-of-function variants in ALDH3A2 are known to be pathogenic (PMID: 10577908, 10854114). This variant is present in population databases (rs757359379, gnomAD 0.006%). For these reasons, this variant has been classified as Pathogenic.

Neuberg Centre For Genomic Medicine, NCGM
Classification: Pathogenic for Sjögren-Larsson syndrome. Last evaluated: 2023-05-20. Review status: criteria provided, single submitter. Criteria: ACMG Guidelines, 2015. Collection method: clinical testing. Allele origin: germline. Inheritance: Autosomal recessive inheritance. Affected: yes.
Comment: The observed frameshift, splice region variant c.798+1del in ALDH3A2 gene has been reported previously in homozygous and compound heterozgous state in multiple individuals with Sjogren-Larsson syndrome (Rizzo WB, et al., 1999, Cho KH, et al., 2018). Experimental studies have shown that the disruption of this splice site is associated with altered splicing resulting in multiple RNA products (Rizzo WB, et al., 1999). The c.798+1del variant has 0.001% allele frequency in gnomAD Exomes.This variant has been submitted to the ClinVar database as Pathogenic. The variant is predicted to be damaging by SpliceAI Prediction. For these reasons, this variant has been classified as Pathogenic.

Women's Health and Genetics/Laboratory Corporation of America, LabCorp
Classification: Pathogenic for SjÃ¶gren-Larsson syndrome. Last evaluated: 2018-08-23. Review status: criteria provided, single submitter. Criteria: LabCorp Variant Classification Summary - May 2015. Collection method: clinical testing. Allele origin: germline.
Comment: Variant summary: ALDH3A2 c.798+1delG is located in a canonical splice-site and is predicted to affect mRNA splicing resulting in a significantly altered protein due to either exon skipping, shortening, or inclusion of intronic material. Several computational tools predict a significant impact on normal splicing: Three predict the variant abolishes a 5' splicing donor site, while another predicts the weakening of a 5' donor site. These predictions are supported by RT-PCR assays that revealed aberrant splicing in a homozygous patient's fibroblasts and FALDH enzyme activity assays showing activity levels of <10% of controls (Rizzo_1999, Rizzo_2010). The variant allele was found at a frequency of 8.9e-06 in 112548 control chromosomes (ExAC). The variant, c.798+1delG, has been reported in the literature in multiple individuals affected with Sjogren-Larsson Syndrome (Rizzo_1999, Rizzo_2010). These data indicate that the variant is very likely to be associated with disease. One clinical diagnostic laboratory has submitted clinical-significance assessments for this variant to ClinVar after 2014 and classified the variant as pathogenic/likely pathogenic. Based on the evidence outlined above, the variant was classified as pathogenic.

Natera, Inc.
Classification: Pathogenic for SjÃ¶gren-Larsson syndrome. Last evaluated: 2020-09-16. Review status: no assertion criteria provided. Collection method: clinical testing. Allele origin: germline. Not counted in ClinVar's aggregate classification.

Counsyl
Classification: Pathogenic for Sjögren-Larsson syndrome. Last evaluated: 2016-07-22. Review status: no assertion criteria provided. Collection method: clinical testing. Allele origin: unknown. Not counted in ClinVar's aggregate classification.

Literature cited by the submitters: PubMed 10577908 (cited by 3 submitters); PubMed 30157790 (cited by Labcorp Genetics (formerly Invitae), Labcorp); PubMed 16199547 (cited by Labcorp Genetics (formerly Invitae), Labcorp); PubMed 10854114 (cited by Labcorp Genetics (formerly Invitae), Labcorp); PubMed 20049467 (cited by Women's Health and Genetics/Laboratory Corporation of America, LabCorp).